The following is an entry in ClinVar:

NM_000159.4(GCDH):c.679C>G (p.Arg227Gly)

Gene: GCDH (glutaryl-CoA dehydrogenase; plus strand). Cytogenetic location: 19p13.13.
Variant type: single nucleotide variant.
Coding change: c.679C>G on transcript NM_000159.4 (MANE Select); coding-DNA position 679, C replaced by G.
Protein change: p.Arg227Gly; replaces arginine 227 with glycine.
Molecular consequence: missense variant. On other transcripts: non-coding transcript variant (2).
Genome position (GRCh38, 1-based): chr19:12,896,248, C>G. VCF-style: chr19-12896248-C-G. GRCh37 (hg19) VCF-style: chr19-13007062-C-G.
Other names: c.679C>G, p.Arg227Gly (NM_013976.5); short protein forms R227G.
Identifiers: ClinVar variation 2109823 (VCV002109823.4), dbSNP rs368357056, ClinGen allele CA404318596.
Genomic context (GRCh38, chr19:12,896,248, plus strand): 5'-GACTGTTCCATCCCCAGGATCACGAACTCGCCTATGGCCGATCTGTTTGTAGTGTGGGCT[C>G]GGTGTGAAGATGGCTGCATTCGGGGCTTCCTGCTGGAGAAGGGGATGCGGGGTCTCTCGG-3'
Protein context (NP_000150.1, residues 217-237): PMADLFVVWA[Arg227Gly]CEDGCIRGFL

ClinVar aggregate classification (germline): Likely pathogenic (1 of 4 stars; one submission).

Conditions:
Glutaric aciduria, type 1. Also called: Glutaryl-CoA dehydrogenase deficiency; Glutaric Acidemia Type 1; GA I; Glutaric acidemia type I; Glutaricaciduria, type I; Glutaricacidemia Type 1. Identifiers: Orphanet 25, MedGen C0268595, MONDO:0009281, OMIM 231670.

Submission:

Labcorp Genetics (formerly Invitae), Labcorp
Classification: Likely pathogenic for Glutaric aciduria, type 1. Last evaluated: 2022-03-18. Review status: criteria provided, single submitter. Criteria: Invitae Variant Classification Sherloc (09022015). Collection method: clinical testing. Allele origin: germline.
Comment: This sequence change replaces arginine, which is basic and polar, with glycine, which is neutral and non-polar, at codon 227 of the GCDH protein (p.Arg227Gly). In summary, the currently available evidence indicates that the variant is pathogenic, but additional data are needed to prove that conclusively. Therefore, this variant has been classified as Likely Pathogenic. This variant disrupts the p.Arg227 amino acid residue in GCDH. Other variant(s) that disrupt this residue have been determined to be pathogenic (PMID: 8900227, 9266361, 10066389, 10960496, 11073722, 22728054, 23395213, 28438223). This suggests that this residue is clinically significant, and that variants that disrupt this residue are likely to be disease-causing. Algorithms developed to predict the effect of sequence changes on RNA splicing suggest that this variant may disrupt the consensus splice site. Advanced modeling of protein sequence and biophysical properties (such as structural, functional, and spatial information, amino acid conservation, physicochemical variation, residue mobility, and thermodynamic stability) performed at Invitae indicates that this missense variant is expected to disrupt GCDH protein function. This variant has not been reported in the literature in individuals affected with GCDH-related conditions. This variant is not present in population databases (gnomAD no frequency).

Literature cited by the submitters: PubMed 8900227; PubMed 9266361; PubMed 10066389; PubMed 10960496; PubMed 11073722; PubMed 22728054; PubMed 23395213; PubMed 28438223.